The following is an entry in ClinVar:

ClinVar aggregate classification (germline): Likely benign. Review status: criteria provided, multiple submitters, no conflicts (2 of 4 stars). 3 submissions from 3 submitters: Likely benign (3). Last evaluated 2025-12-29.

Allele frequency attached by ClinVar (database versions not stated): gnomAD 0.00015 and 0.00016; TOPMed 0.00017; gnomAD exomes 0.00022; ExAC 0.00025.
gnomAD v4.1: 630 of 1,614,090 alleles (0.039%); highest among the groups gnomAD compares: Non-Finnish European, 0.05%; no homozygotes.

Submissions (3):

Labcorp Genetics (formerly Invitae), Labcorp
Classification: Likely benign. Last evaluated: 2025-12-29. Review status: criteria provided, single submitter. Criteria: Invitae Variant Classification Sherloc (09022015). Collection method: clinical testing. Allele origin: germline.

Blueprint Genetics
Classification: Likely benign. Last evaluated: 2024-10-17. Review status: criteria provided, single submitter. Criteria: ACMG Guidelines, 2015. Collection method: clinical testing. Allele origin: germline.

Laboratory for Molecular Medicine, Mass General Brigham Personalized Medicine
Classification: Likely benign. Last evaluated: 2013-11-22. Review status: criteria provided, single submitter. Criteria: LMM Criteria. Collection method: clinical testing. Allele origin: germline. Observed: 1 variant allele.
Comment: Ala435Ala in exon 9 of SCNN1B: This variant is not expected to have clinical sig nificance because it does not alter an amino acid residue and is not located wit hin the splice consensus sequence.

NM_000336.3(SCNN1B):c.1305G>A (p.Ala435=)

Gene: SCNN1B (sodium channel epithelial 1 subunit beta; plus strand). Cytogenetic location: 16p12.2.
Variant type: single nucleotide variant.
Coding change: c.1305G>A on transcript NM_000336.3 (MANE Select); coding-DNA position 1305, G replaced by A.
Protein change: p.Ala435=; no amino-acid change (alanine 435 retained).
Molecular consequence: synonymous variant.
Genome position (GRCh38, 1-based): chr16:23,377,199, G>A. VCF-style: chr16-23377199-G-A. GRCh37 (hg19) VCF-style: chr16-23388520-G-A.
Identifiers: ClinVar variation 165168 (VCV000165168.13), dbSNP rs727503413, ClinGen allele CA177879.
Genomic context (GRCh38, chr16:23,377,199, plus strand): 5'-TGGCCGCCTTTCTGTCTCCTGCGCAGCCCATTGCTACTCAGATCTACAGATGAGCGTGGC[G>A]CAGAGAGAGACCTGCATTGGCATGTGCAAGGAGTCCTGCAAGTGAGTGCGGGTGGGCGGG-3'
Protein context (NP_000327.2, residues 425-445): HCYSDLQMSV[Ala435=]QRETCIGMCK